The following is an entry in ClinVar:

ClinVar aggregate classification (germline): Uncertain significance (1 of 4 stars; one submission).

Submission:

Dasa
Classification: Uncertain significance. Last evaluated: 2024-10-28. Review status: criteria provided, single submitter. Criteria: DASA Assertion Criteria. Collection method: clinical testing. Allele origin: germline.
Comment: NM_032866.5(CGNL1):c.142G>A (p.Gly48Arg) is a missense variant that results in the substitution of glycine with arginine. This variant is rare in population databases. The currently available literature and clinical evidence are not sufficient to establish a definitive association between this variant and the reported condition. Therefore, this variant is classified as a variant of uncertain significance.

NM_032866.5(CGNL1):c.142G>A (p.Gly48Arg)

Gene: CGNL1 (cingulin like 1; plus strand). Cytogenetic location: 15q21.3.
Variant type: single nucleotide variant.
Coding change: c.142G>A on transcript NM_032866.5 (MANE Select); coding-DNA position 142, G replaced by A.
Protein change: p.Gly48Arg; replaces glycine 48 with arginine.
Molecular consequence: missense variant.
Genome position (GRCh38, 1-based): chr15:57,438,141, G>A. VCF-style: chr15-57438141-G-A. GRCh37 (hg19) VCF-style: chr15-57730339-G-A.
Other names: c.142G>A, p.Gly48Arg (NM_001252335.2); short protein forms G48R.
Identifiers: ClinVar variation 4885853 (VCV004885853.2).
Genomic context (GRCh38, chr15:57,438,141, plus strand): 5'-AAATCAAGGAGTTCCCAGAACTCCAAGGCAGGCTCCTACGGTGTCAGTATTCGGGTCCAG[G>A]GAATTGATGGTCACCCCTATATTGTCCTGAATAACACAGAACGGTGCCTAGCAGGCACAT-3'
Protein context (NP_116255.2, residues 38-58): GSYGVSIRVQ[Gly48Arg]IDGHPYIVLN